The following is an entry in ClinVar:

ClinVar aggregate classification (germline): Uncertain significance (1 of 4 stars; one submission).

gnomAD v4.1: 1 of 1,614,226 alleles (0.000062%); highest among the groups gnomAD compares: Middle Eastern, 0.016%; no homozygotes.

Submission:

Labcorp Genetics (formerly Invitae), Labcorp
Classification: Uncertain significance. Last evaluated: 2022-04-26. Review status: criteria provided, single submitter. Criteria: Invitae Variant Classification Sherloc (09022015). Collection method: clinical testing. Allele origin: germline.
Comment: This sequence change replaces valine, which is neutral and non-polar, with alanine, which is neutral and non-polar, at codon 609 of the CNGB3 protein (p.Val609Ala). This variant is not present in population databases (gnomAD no frequency). This variant has not been reported in the literature in individuals affected with CNGB3-related conditions. Advanced modeling of protein sequence and biophysical properties (such as structural, functional, and spatial information, amino acid conservation, physicochemical variation, residue mobility, and thermodynamic stability) performed at Invitae indicates that this missense variant is not expected to disrupt CNGB3 protein function. In summary, the available evidence is currently insufficient to determine the role of this variant in disease. Therefore, it has been classified as a Variant of Uncertain Significance.

NM_019098.5(CNGB3):c.1826T>C (p.Val609Ala)

Gene: CNGB3 (cyclic nucleotide gated channel subunit beta 3; minus strand). Cytogenetic location: 8q21.3.
Variant type: single nucleotide variant.
Coding change: c.1826T>C on transcript NM_019098.5 (MANE Select); coding-DNA position 1826, T replaced by C.
Protein change: p.Val609Ala; replaces valine 609 with alanine.
Molecular consequence: missense variant.
Genome position (GRCh38, 1-based): chr8:86,579,208, A>G on the plus strand (T>C on the coding strand, the complement: CNGB3 is on the minus strand). VCF-style: chr8-86579208-A-G. GRCh37 (hg19) VCF-style: chr8-87591436-A-G.
Other names: short protein forms V609A.
Identifiers: ClinVar variation 2184321 (VCV002184321.1), dbSNP rs1378970832, ClinGen allele CA371447965.